The following is an entry in ClinVar:

NM_001291303.3(FAT4):c.1903G>T (p.Asp635Tyr)

Gene: FAT4 (FAT atypical cadherin 4; plus strand). Cytogenetic location: 4q28.1.
Variant type: single nucleotide variant.
Coding change: c.1903G>T on transcript NM_001291303.3 (MANE Select); coding-DNA position 1903, G replaced by T.
Protein change: p.Asp635Tyr; replaces aspartic acid 635 with tyrosine.
Molecular consequence: missense variant.
Genome position (GRCh38, 1-based): chr4:125,318,314, G>T. VCF-style: chr4-125318314-G-T. GRCh37 (hg19) VCF-style: chr4-126239469-G-T.
Other names: c.1903G>T (NM_024582.4, NM_024582.5); c.1903G>T, p.Asp635Tyr (NM_001291285.3, NM_024582.6); short protein forms D635Y.
Identifiers: ClinVar variation 1518031 (VCV001518031.5), dbSNP rs374308807, ClinGen allele CA3072075.
Genomic context (GRCh38, chr4:125,318,314, plus strand): 5'-AACGGAACAGTGCGCTTCTCCTTACAAGAGGCAGAGACTGACCGGAGGTCCTTCCGTCTG[G>T]ATCCTGTGTCTGGGAGGTTGAGTACTATTTCCTCCTTGGACAGAGAAGAGCAAGCCTTCT-3'
Protein context (NP_001278232.1, residues 625-645): AETDRRSFRL[Asp635Tyr]PVSGRLSTIS

ClinVar aggregate classification (germline): Uncertain significance. Review status: criteria provided, multiple submitters, no conflicts (2 of 4 stars). 3 submissions from 3 submitters: Uncertain significance (3). Last evaluated 2026-09-02.

Conditions:
Van Maldergem syndrome 2 (VMLDS2). Identifiers: Orphanet 314679, MedGen C3809875, MONDO:0014242, OMIM 615546.
Hennekam lymphangiectasia-lymphedema syndrome 2 (HKLLS2). Identifiers: Orphanet 2136, MedGen C4014939, MONDO:0014454, OMIM 616006.

Allele frequency attached by ClinVar (database versions not stated): ESP Exome Variant Server 0.00008.
gnomAD v4.1: 48 of 1,614,086 alleles (0.003%); highest among the groups gnomAD compares: African/African-American, 0.0067%; no homozygotes.

Submissions (3):

GeneDx
Classification: Uncertain significance. Last evaluated: 2026-09-02. Review status: criteria provided, single submitter. Criteria: GeneDx Variant Classification Process June 2021. Collection method: clinical testing. Allele origin: germline.
Comment: Not observed at significant frequency in large population cohorts (gnomAD); In silico analysis supports that this missense variant has a deleterious effect on protein structure/function; Has not been previously published as pathogenic or benign to our knowledge

Fulgent Genetics
Classification: Uncertain significance for Van Maldergem syndrome 2; Hennekam lymphangiectasia-lymphedema syndrome 2. Last evaluated: 2024-03-24. Review status: criteria provided, single submitter. Criteria: ACMG Guidelines, 2015. Collection method: clinical testing. Allele origin: germline.

Labcorp Genetics (formerly Invitae), Labcorp
Classification: Uncertain significance. Last evaluated: 2022-07-12. Review status: criteria provided, single submitter. Criteria: Invitae Variant Classification Sherloc (09022015). Collection method: clinical testing. Allele origin: germline.
Comment: This sequence change replaces aspartic acid, which is acidic and polar, with tyrosine, which is neutral and polar, at codon 635 of the FAT4 protein (p.Asp635Tyr). This variant is present in population databases (rs374308807, gnomAD 0.007%). This variant has not been reported in the literature in individuals affected with FAT4-related conditions. ClinVar contains an entry for this variant (Variation ID: 1518031). Advanced modeling of protein sequence and biophysical properties (such as structural, functional, and spatial information, amino acid conservation, physicochemical variation, residue mobility, and thermodynamic stability) performed at Invitae indicates that this missense variant is not expected to disrupt FAT4 protein function. In summary, the available evidence is currently insufficient to determine the role of this variant in disease. Therefore, it has been classified as a Variant of Uncertain Significance.